The following is an entry in ClinVar:

ClinVar aggregate classification (germline): Pathogenic (1 of 4 stars; one submission).

Conditions:
Retinitis pigmentosa 25 (RP25). Identifiers: Orphanet 791, MedGen C1864446, MONDO:0011272, OMIM 602772.

Submission:

SingHealth Duke-NUS Institute of Precision Medicine
Classification: Pathogenic for Retinitis pigmentosa 25. Last evaluated: 2025-02-05. Review status: criteria provided, single submitter. Criteria: PRISM ACMG Classification Criteria. Collection method: clinical testing. Allele origin: germline. Affected: yes.
Comment: Variant is predicted to cause nonsense-mediated decay in a gene where LOF is a known cause of pathogenicity (PVS1). Variant is not found in gnomAD exomes or genomes (PM2). Variant is found to be in trans with a different pathogenic variant (PM3, internal data)

NM_001142800.2(EYS):c.5086G>T (p.Glu1696Ter)

Gene: EYS (eyes shut homolog; minus strand). Cytogenetic location: 6q12.
Variant type: single nucleotide variant.
Coding change: c.5086G>T on transcript NM_001142800.2 (MANE Select); coding-DNA position 5086, G replaced by T.
Protein change: p.Glu1696Ter; replaces glutamic acid 1696 with a stop codon.
Molecular consequence: nonsense.
Genome position (GRCh38, 1-based): chr6:64,590,781, C>A on the plus strand (G>T on the coding strand, the complement: EYS is on the minus strand). VCF-style: chr6-64590781-C-A. GRCh37 (hg19) VCF-style: chr6-65300674-C-A.
Other names: c.5086G>T, p.Glu1696Ter (NM_001292009.2); short protein forms E1696*.
Identifiers: ClinVar variation 3767374 (VCV003767374.1).
Genomic context (GRCh38, chr6:64,590,781, plus strand): 5'-CCTCAGTGGGTCCCATAGTTATGCCATATTGTCTTATTTTCAATAGTTTTAAAATGTTTT[C>A]TGATACTGACAGTTCATCAGTAGTCATTTTTGAAGTCAAATCAGAATTCATCAAGTCTGA-3'